The following is an entry in ClinVar:

ClinVar aggregate classification (germline): Uncertain significance. Review status: criteria provided, multiple submitters, no conflicts (2 of 4 stars). 2 submissions from 2 submitters: Uncertain significance (2). Last evaluated 2021-09-17.

Conditions:
Combined immunodeficiency due to LRBA deficiency. Also called: Common variable immunodeficiency 8, with autoimmunity. Identifiers: Orphanet 445018, MedGen C3553512, MONDO:0013863, OMIM 614700.

Allele frequency attached by ClinVar (database versions not stated): gnomAD exomes 0.00001 and 0.00002; TOPMed 0.00003; ExAC 0.00004; gnomAD 0.00004 and 0.00005; ESP Exome Variant Server 0.00008.
gnomAD v4.1: 17 of 1,608,472 alleles (0.0011%); highest among the groups gnomAD compares: Admixed American, 0.0084%; no homozygotes.

Submissions (2):

Labcorp Genetics (formerly Invitae), Labcorp
Classification: Uncertain significance for Combined immunodeficiency due to LRBA deficiency. Last evaluated: 2021-09-17. Review status: criteria provided, single submitter. Criteria: Invitae Variant Classification Sherloc (09022015). Collection method: clinical testing. Allele origin: germline.
Comment: This sequence change replaces arginine with tryptophan at codon 1824 of the LRBA protein (p.Arg1824Trp). The arginine residue is weakly conserved and there is a moderate physicochemical difference between arginine and tryptophan. This variant is present in population databases (rs374719524, ExAC 0.006%). This variant has not been reported in the literature in individuals affected with LRBA-related conditions. ClinVar contains an entry for this variant (Variation ID: 1031078). Algorithms developed to predict the effect of missense changes on protein structure and function are either unavailable or do not agree on the potential impact of this missense change (SIFT: "Deleterious"; PolyPhen-2: "Probably Damaging"; Align-GVGD: "Class C0"). In summary, the available evidence is currently insufficient to determine the role of this variant in disease. Therefore, it has been classified as a Variant of Uncertain Significance.

Baylor Genetics
Classification: Uncertain significance for Combined immunodeficiency due to LRBA deficiency. Last evaluated: 2019-12-02. Review status: criteria provided, single submitter. Criteria: ACMG Guidelines, 2015. Collection method: clinical testing. Allele origin: unknown. Affected: yes.
Comment: This variant was determined to be of uncertain significance according to ACMG Guidelines, 2015 [PMID:25741868].

NM_001364905.1(LRBA):c.5470C>T (p.Arg1824Trp)

Gene: LRBA (LPS responsive beige-like anchor protein; minus strand). Cytogenetic location: 4q31.3.
Variant type: single nucleotide variant.
Coding change: c.5470C>T on transcript NM_001364905.1 (MANE Select); coding-DNA position 5470, C replaced by T.
Protein change: p.Arg1824Trp; replaces arginine 1824 with tryptophan.
Molecular consequence: missense variant.
Genome position (GRCh38, 1-based): chr4:150,806,319, G>A on the plus strand (C>T on the coding strand, the complement: LRBA is on the minus strand). VCF-style: chr4-150806319-G-A. GRCh37 (hg19) VCF-style: chr4-151727471-G-A.
Other names: c.5470C>T, p.Arg1824Trp (NM_001199282.3, NM_001367550.1, NM_006726.5); short protein forms R1824W.
Identifiers: ClinVar variation 1031078 (VCV001031078.6), dbSNP rs374719524, ClinGen allele CA3102478.